The following is an entry in ClinVar:

NM_003221.4(TFAP2B):c.824C>A (p.Ala275Asp)

Gene: TFAP2B (transcription factor AP-2 beta; plus strand). Cytogenetic location: 6p12.3.
Variant type: single nucleotide variant.
Coding change: c.824C>A on transcript NM_003221.4 (MANE Select); coding-DNA position 824, C replaced by A.
Protein change: p.Ala275Asp; replaces alanine 275 with aspartic acid.
Molecular consequence: missense variant.
Genome position (GRCh38, 1-based): chr6:50,837,977, C>A. VCF-style: chr6-50837977-C-A. GRCh37 (hg19) VCF-style: chr6-50805690-C-A.
Other names: A264D; c.791C>A (X95694.1); short protein forms A275D.
Identifiers: ClinVar variation 8039 (VCV000008039.4), dbSNP rs80338914, ClinGen allele CA340716.

ClinVar aggregate classification (germline): Pathogenic. Review status: criteria provided, single submitter (1 of 4 stars). 3 submissions from 3 submitters: Pathogenic (1). 2 of the submissions do not count toward it. Last evaluated 2019-11-20.

Conditions:
Char syndrome (CHAR). Also called: PATENT DUCTUS ARTERIOSUS WITH FACIAL DYSMORPHISM AND ABNORMAL FIFTH DIGITS. Identifiers: Orphanet 46627, MedGen C1868570, MONDO:0008209, OMIM 169100.

Submissions (3):

Baylor Genetics
Classification: Pathogenic for Char syndrome. Last evaluated: 2019-11-20. Review status: criteria provided, single submitter. Criteria: ACMG Guidelines, 2015. Collection method: clinical testing. Allele origin: unknown. Affected: yes.
Comment: This variant was determined to be pathogenic according to ACMG Guidelines, 2015 [PMID:25741868]. This variant has been previously reported as disease-causing by following sources [PMID: 10802654, ClinVar ID: 8039]

OMIM
Classification: Pathogenic for CHAR SYNDROME. Last evaluated: 2000-05-01. Review status: no assertion criteria provided. Collection method: literature only. Allele origin: germline. Not counted in ClinVar's aggregate classification.

GeneReviews
No classification provided. Condition: Char syndrome. Review status: no classification provided. Collection method: literature only. Allele origin: unknown. Not counted in ClinVar's aggregate classification.

Literature cited by the submitters: PubMed 10802654 (cited by 3 submitters); PubMed 10368122 (cited by OMIM); PubMed 20301285 (cited by GeneReviews); NCBI Bookshelf NBK1106 (cited by GeneReviews).